The following is an entry in ClinVar:

NM_030665.4(RAI1):c.873_875del (p.Gln291_Ala292delinsHis)

Gene: RAI1 (retinoic acid induced 1; plus strand). Cytogenetic location: 17p11.2.
Variant type: Deletion.
Coding change: c.873_875del on transcript NM_030665.4 (MANE Select); coding-DNA positions 873 to 875, 3 bases deleted (AGC; older notation c.873_875delAGC).
Protein change: p.Gln291_Ala292delinsHis.
Molecular consequence: inframe indel.
Genome position (GRCh38, 1-based): chr17:17,793,821-17,793,823, AGC deleted. VCF-style (leftmost placement, unchanged base first): chr17-17793820-AAGC-A. GRCh37 (hg19) VCF-style: chr17-17697134-AAGC-A.
Identifiers: ClinVar variation 4993526 (VCV004993526.1).
Genomic context (GRCh38, chr17:17,793,820, plus strand): 5'-CGGGCCGCCTCAGCTATGACCAGCAGCAGCAGCAGCAGCAGCAGCAGCAGCAGCAGCAGC[AAGC>A]CCTTCAGAGCCGGCACCATGCCCAGGAAACCCTCCATTACCAAAACCTCGCCAAGTATCA-3'

ClinVar aggregate classification (germline): Uncertain significance (1 of 4 stars; one submission).

Conditions:
RAI1-related disorder. Also called: RAI1-related condition.

Submission:

PreventionGenetics, part of Exact Sciences
Classification: Uncertain significance for RAI1-related condition. Last evaluated: 2026-02-09. Review status: criteria provided, single submitter. Criteria: ACMG Guidelines, 2015. Collection method: clinical testing. Allele origin: germline.
Comment: The RAI1 c.873_875delAGC variant is predicted to result in an in-frame deletion (p.Gln291_Ala292delinsHis). To our knowledge, this variant has not been reported in the literature or in a large population database (gnomAD), indicating this variant is rare. At this time, the clinical significance of this variant is uncertain due to the absence of conclusive functional and genetic evidence.